The following is an entry in ClinVar:

NM_002439.5(MSH3):c.992_994delinsATT (p.Thr331_Ala332delinsAsnSer)

Genes: MSH3 (mutS homolog 3; plus strand), LOC126807437 (MED14-independent group 3 enhancer GRCh37_chr5:79968379-79969578; plus strand). Cytogenetic location: 5q14.1.
Variant type: Indel.
Coding change: c.992_994delinsATT on transcript NM_002439.5 (MANE Select); coding-DNA positions 992 to 994, CTG replaced by ATT.
Protein change: p.Thr331_Ala332delinsAsnSer.
Molecular consequence: missense variant.
Genome position (GRCh38, 1-based): chr5:80,672,823-80,672,825, CTG replaced by ATT. VCF-style: chr5-80672823-CTG-ATT. GRCh37 (hg19) VCF-style: chr5-79968642-CTG-ATT.
Identifiers: ClinVar variation 1768620 (VCV001768620.2), dbSNP rs2546722968, ClinGen allele CA2580073586.

ClinVar aggregate classification (germline): Uncertain significance (1 of 4 stars; one submission).

Conditions:
Hereditary cancer-predisposing syndrome. Also called: Hereditary Cancer Syndrome; Hereditary neoplastic syndrome; Neoplastic Syndromes, Hereditary; Tumor predisposition. Identifiers: Orphanet 140162, MedGen C0027672, MeSH D009386, MONDO:0015356.

Submission:

Ambry Genetics
Classification: Uncertain significance for Hereditary cancer-predisposing syndrome. Last evaluated: 2022-05-18. Review status: criteria provided, single submitter. Criteria: Ambry Variant Classification Scheme 2023. Collection method: clinical testing. Allele origin: germline.
Comment: The c.992_994delCTGinsATT variant (also known as p.T331_A332delinsNS), located in coding exon 6 of the MSH3 gene, results from an in-frame deletion of CTG and insertion of ATT at nucleotide positions 992 to 994. This results in the substitution of threonine and alanine residues for asparagine and serine residues at codons 331 and 332. This amino acid region is well conserved in available vertebrate species. In addition, the in silico prediction for this alteration is inconclusive (Choi Y et al. PLoS ONE. 2012; 7(10):e46688). Since supporting evidence is limited at this time, the clinical significance of this alteration remains unclear.